The following is an entry in ClinVar:

ClinVar aggregate classification (germline): Uncertain significance (1 of 4 stars; one submission).

Conditions:
Costello syndrome (CSTLO). Also called: FACIOCUTANEOSKELETAL SYNDROME; FCS SYNDROME; HRAS-Related Costello Syndrome. Identifiers: Orphanet 3071, MedGen C0587248, MONDO:0009026, OMIM 218040.

Submission:

Labcorp Genetics (formerly Invitae), Labcorp
Classification: Uncertain significance for Costello syndrome. Last evaluated: 2021-07-18. Review status: criteria provided, single submitter. Criteria: Invitae Variant Classification Sherloc (09022015). Collection method: clinical testing. Allele origin: germline.
Comment: This variant has not been reported in the literature in individuals affected with HRAS-related conditions. This variant is a gross deletion of the genomic region encompassing exon(s) 5 of the HRAS gene. The 5' boundary is likely confined to intron 4. The 3' end of this event is unknown as it extends through the termination codon beyond the assayed region for this gene and may encompass additional genes. While this deletion is not anticipated to lead to nonsense mediated decay, it is expected to alter mRNA translation or result in a truncated protein product. In summary, the available evidence is currently insufficient to determine the role of this variant in disease. Therefore, it has been classified as a Variant of Uncertain Significance.

NC_000011.9:g.(?_532636)_(533328_?)del

Gene: HRAS (HRas proto-oncogene, GTPase; minus strand). Cytogenetic location: 11p15.5.
Variant type: Deletion.
Identifiers: ClinVar variation 1429506 (VCV001429506.4).